The following is an entry in ClinVar:

ClinVar aggregate classification (germline): Uncertain significance (1 of 4 stars; one submission).

Allele frequency attached by ClinVar (database versions not stated): ExAC 0.00001; gnomAD exomes 0.00001; TOPMed 0.00003; gnomAD 0.00005; 1000 Genomes Project 30x 0.00016; 1000 Genomes Project 0.00020.
gnomAD v4.1: 11 of 1,614,252 alleles (0.00068%); highest among the groups gnomAD compares: African/African-American, 0.013%; no homozygotes.

Submission:

Labcorp Genetics (formerly Invitae), Labcorp
Classification: Uncertain significance. Last evaluated: 2022-02-10. Review status: criteria provided, single submitter. Criteria: Invitae Variant Classification Sherloc (09022015). Collection method: clinical testing. Allele origin: germline.
Comment: In summary, the available evidence is currently insufficient to determine the role of this variant in disease. Therefore, it has been classified as a Variant of Uncertain Significance. Algorithms developed to predict the effect of missense changes on protein structure and function (SIFT, PolyPhen-2, Align-GVGD) all suggest that this variant is likely to be disruptive. This variant has not been reported in the literature in individuals affected with ICK-related conditions. This variant is present in population databases (rs199803961, gnomAD 0.02%). This sequence change replaces tryptophan, which is neutral and slightly polar, with glycine, which is neutral and non-polar, at codon 624 of the ICK protein (p.Trp624Gly).

NM_014920.5(CILK1):c.1870T>G (p.Trp624Gly)

Gene: CILK1 (ciliogenesis associated kinase 1; minus strand). Cytogenetic location: 6p12.1.
Variant type: single nucleotide variant.
Coding change: c.1870T>G on transcript NM_014920.5 (MANE Select); coding-DNA position 1870, T replaced by G.
Protein change: p.Trp624Gly; replaces tryptophan 624 with glycine.
Molecular consequence: missense variant. On other transcripts: non-coding transcript variant (1).
Genome position (GRCh38, 1-based): chr6:53,005,178, A>C on the plus strand (T>G on the coding strand, the complement: CILK1 is on the minus strand). VCF-style: chr6-53005178-A-C. GRCh37 (hg19) VCF-style: chr6-52869976-A-C.
Other names: c.1891T>G, p.Trp631Gly (NM_001375397.1); c.1870T>G, p.Trp624Gly (NM_001375398.1, NM_001375399.1, NM_001375400.1 and 3 more transcripts); short protein forms W624G, W631G.
Identifiers: ClinVar variation 1680529 (VCV001680529.8), dbSNP rs199803961, ClinGen allele CA3858438.